The following is an entry in ClinVar:

NM_000260.4(MYO7A):c.4642del (p.Gly1547_Leu1548insTer)

Gene: MYO7A (myosin VIIA; plus strand). Cytogenetic location: 11q13.5.
Variant type: Deletion.
Coding change: c.4642del on transcript NM_000260.4 (MANE Select); coding-DNA position 4642, one base deleted (C; older notation c.4642delC).
Protein change: p.Gly1547_Leu1548insTer.
Molecular consequence: nonsense. On other transcripts: intron variant (2).
Genome position (GRCh38, 1-based): chr11:77,199,608, C deleted. VCF-style (leftmost placement, unchanged base first): chr11-77199607-AC-A. GRCh37 (hg19) VCF-style: chr11-76910652-AC-A.
Other names: c.4536-41del (NM_001369365.1); c.4569-41del (NM_001127180.2); c.4642del (NM_000260.3).
Identifiers: ClinVar variation 555107 (VCV000555107.13), dbSNP rs1555100273, ClinGen allele CA475796498.

ClinVar aggregate classification (germline): Pathogenic/Likely pathogenic. Review status: criteria provided, multiple submitters, no conflicts (2 of 4 stars). 6 submissions from 6 submitters: Pathogenic (1); Likely pathogenic (3). 2 of the submissions do not count toward it. Last evaluated 2025-02-24.

Conditions:
MYO7A-related disorder. Also called: MYO7A-related disorders.
Autosomal recessive nonsyndromic hearing loss 2. Also called: DEAFNESS, AUTOSOMAL RECESSIVE 2; NEUROSENSORY NONSYNDROMIC RECESSIVE DEAFNESS 2. Identifiers: Orphanet 90636, MedGen C1838701, MONDO:0010807, OMIM 600060.
Usher syndrome type 1 (USH1). Also called: RETINITIS PIGMENTOSA AND CONGENITAL DEAFNESS. Identifiers: Orphanet 231169, Orphanet 886, MedGen C1568247, MONDO:0010168, OMIM 276900.
Autosomal dominant nonsyndromic hearing loss 11. Identifiers: Orphanet 90635, MedGen C1832475, MONDO:0011032, OMIM 601317.
Usher syndrome type 1B (USH1B). Also called: Usher syndrome type IB. Identifiers: MedGen C1848638, MONDO:0700087.

Allele frequency attached by ClinVar (database versions not stated): gnomAD exomes below 0.00001.

Submissions (6):

Rady Children's Institute for Genomic Medicine, Rady Children's Hospital San Diego
Classification: Likely pathogenic for MYO7A-related disorders. Last evaluated: 2025-02-24. Review status: criteria provided, single submitter. Criteria: ACMG Guidelines, 2015. Collection method: clinical testing. Allele origin: germline. Affected: yes.
Comment: This frameshifting variant in exon 35 of 49 is predicted to result in loss of normal protein function through either protein truncation or nonsense-mediated mRNA decay. Loss-of-function variation in MYO7A is an established mechanism of disease (PMID: 8900236, 25404053, 20301442). This variant has not been previously reported or functionally characterized in the literature to our knowledge. The c.4642del (p.Leu1548Ter) variant is present in the latest version of the gnomAD population database at an allele frequency of 0.0002% (3/1599708), and is absent in the homozygous state, thus is presumed to be rare. Based on the available evidence, c.4642del (p.Leu1548Ter) is classified as Likely Pathogenic.

Natera, Inc.
Classification: Likely pathogenic for Usher syndrome type 1B. Last evaluated: 2024-05-16. Review status: criteria provided, single submitter. Criteria: Natera Variant Classification Schema (03/2026). Collection method: clinical testing. Allele origin: germline.
Comment: The c.4642delC variant in MYO7A is a frameshift variant predicted to shift the reading frame and introduce a stop codon. This variant is expected to result in nonsense mediated decay, truncation, or a dysfunctional protein product. This variant is rare in the general population with a frequency below the threshold expected for the associated phenotype(s). Given the available evidence, this variant is classified as Likely Pathogenic.

Labcorp Genetics (formerly Invitae), Labcorp
Classification: Pathogenic. Last evaluated: 2024-03-18. Review status: criteria provided, single submitter. Criteria: Invitae Variant Classification Sherloc (09022015). Collection method: clinical testing. Allele origin: germline.
Comment: This sequence change creates a premature translational stop signal (p.Leu1548*) in the MYO7A gene. It is expected to result in an absent or disrupted protein product. Loss-of-function variants in MYO7A are known to be pathogenic (PMID: 8900236, 25404053). This variant is not present in population databases (gnomAD no frequency). This variant has not been reported in the literature in individuals affected with MYO7A-related conditions. ClinVar contains an entry for this variant (Variation ID: 555107). For these reasons, this variant has been classified as Pathogenic.

Fulgent Genetics
Classification: Likely pathogenic for Usher syndrome type 1; Autosomal recessive nonsyndromic hearing loss 2; Autosomal dominant nonsyndromic hearing loss 11. Last evaluated: 2024-03-11. Review status: criteria provided, single submitter. Criteria: ACMG Guidelines, 2015. Collection method: clinical testing. Allele origin: germline.

PreventionGenetics, part of Exact Sciences
Classification: Likely pathogenic for MYO7A-related condition. Last evaluated: 2024-06-04. Review status: no assertion criteria provided. Collection method: clinical testing. Allele origin: germline. Not counted in ClinVar's aggregate classification.
Comment: The MYO7A c.4642delC variant is predicted to result in premature protein termination (p.Leu1548*). To our knowledge, this variant has not been reported in the literature or in a large population database, indicating this variant is rare. Nonsense variants in MYO7A are expected to be pathogenic. This variant is interpreted as likely pathogenic.

Counsyl
Classification: Likely pathogenic for Usher syndrome type 1; Autosomal recessive nonsyndromic hearing loss 2. Last evaluated: 2017-11-22. Review status: no assertion criteria provided. Collection method: clinical testing. Allele origin: unknown. Not counted in ClinVar's aggregate classification.

Literature cited by the submitters: PubMed 8900236 (cited by Rady Children's Institute for Genomic Medicine, Rady Children's Hospital San Diego and Labcorp Genetics (formerly Invitae), Labcorp); PubMed 25404053 (cited by Rady Children's Institute for Genomic Medicine, Rady Children's Hospital San Diego and Labcorp Genetics (formerly Invitae), Labcorp); PubMed 20301442 (cited by Rady Children's Institute for Genomic Medicine, Rady Children's Hospital San Diego).